The following is an entry in ClinVar:

NM_001008212.2(OPTN):c.1320del (p.Lys440fs)

Gene: OPTN (optineurin; plus strand). Cytogenetic location: 10p13.
Variant type: Deletion.
Coding change: c.1320del on transcript NM_001008212.2 (MANE Select); coding-DNA position 1320, one base deleted (A; older notation c.1320delA).
Protein change: p.Lys440fs; shifts the reading frame from lysine 440.
Molecular consequence: frameshift variant.
Genome position (GRCh38, 1-based): chr10:13,127,822, A deleted; the last of 3 consecutive A bases (chr10:13,127,820-13,127,822); deleting any one gives the same sequence. VCF-style (leftmost placement, unchanged base first): chr10-13127819-CA-C. GRCh37 (hg19) VCF-style: chr10-13169819-CA-C.
Other names: c.1320delA (NM_001008211.1); c.1320del, p.Lys440fs (NM_001008211.1, NM_001008213.1, NM_021980.4); short protein forms K440fs.
Identifiers: ClinVar variation 1175766 (VCV001175766.36), dbSNP rs1200521614, ClinGen allele CA592311808.

ClinVar aggregate classification (germline): Pathogenic. Review status: criteria provided, multiple submitters, no conflicts (2 of 4 stars). 2 submissions from 2 submitters: Pathogenic (2). Last evaluated 2025-10-02.

Conditions:
OPTN-related disorder. Also called: OPTN-related condition; OPTN-related disorders.

Submissions (2):

PreventionGenetics, part of Exact Sciences
Classification: Pathogenic for OPTN-related condition. Last evaluated: 2025-10-02. Review status: criteria provided, single submitter. Criteria: ACMG Guidelines, 2015. Collection method: clinical testing. Allele origin: germline.
Comment: The OPTN c.1320delA variant is predicted to result in a frameshift and premature protein termination (p.Lys440Asnfs*8). This variant was reported to segregate with amyotrophic lateral sclerosis in 3 individuals from a single family (Weishaupt et al. 2013. PubMed ID: 23062601). This variant is reported in 0.0015% of alleles in individuals of European (Non-Finnish) descent in gnomAD. Frameshift variants in OPTN are expected to be pathogenic. This variant is interpreted as pathogenic.

CeGaT Center for Human Genetics Tuebingen
Classification: Pathogenic. Last evaluated: 2021-06-01. Review status: criteria provided, single submitter. Criteria: CeGaT Center For Human Genetics Tuebingen Variant Classification Criteria Version 2. Collection method: clinical testing. Allele origin: germline. Affected: yes. Observed: 1 variant allele.